The following is an entry in ClinVar:

ClinVar aggregate classification (germline): Likely pathogenic (1 of 4 stars; one submission).

Conditions:
Primary ciliary dyskinesia. Also called: Ciliary dyskinesia. Identifiers: Orphanet 244, MedGen C0008780, MONDO:0016575, HP:0012265.

Submission:

Natera, Inc.
Classification: Likely pathogenic for Primary ciliary dyskinesia. Last evaluated: 2025-08-06. Review status: criteria provided, single submitter. Criteria: Natera Variant Classification Schema (03/2026). Collection method: clinical testing. Allele origin: germline.
Comment: The c.5115-2_5115delAGG variant in DNAH5 is a canonical splice acceptor site variant predicted to affect pre-mRNA splicing, which may result in an abnormal transcript and altered protein product. This variant is expected to result in nonsense mediated decay, truncation, or a dysfunctional protein product. This variant is rare in the general population with a frequency below the threshold expected for the associated phenotype(s). Given the available evidence, this variant is classified as Likely Pathogenic.

NM_001369.3(DNAH5):c.5115-2_5115del

Gene: DNAH5 (dynein axonemal heavy chain 5; minus strand). Cytogenetic location: 5p15.2.
Variant type: Deletion.
Coding change: c.5115-2_5115del on transcript NM_001369.3 (MANE Select); the canonical splice acceptor site of the intron before coding-DNA position 5115 through coding-DNA position 5115, 3 bases deleted (AGG; older notation c.5115-2_5115delAGG).
Molecular consequence: splice acceptor variant.
Genome position (GRCh38, 1-based): chr5:13,844,993-13,844,995, CCT deleted on the plus strand (AGG on the coding strand, the reverse complement: DNAH5 is on the minus strand). VCF-style (leftmost placement, unchanged base first): chr5-13844992-ACCT-A. GRCh37 (hg19) VCF-style: chr5-13845101-ACCT-A.
Identifiers: ClinVar variation 4814895 (VCV004814895.1).